The following is an entry in ClinVar:

ClinVar aggregate classification (germline): Uncertain significance (1 of 4 stars; one submission).

Submission:

GeneDx
Classification: Uncertain significance. Last evaluated: 2025-07-25. Review status: criteria provided, single submitter. Criteria: GeneDx Variant Classification Process June 2021. Collection method: clinical testing. Allele origin: germline. Affected: yes.
Comment: Not observed at significant frequency in large population cohorts (gnomAD); In silico analysis supports a deleterious effect on splicing; Has not been previously published as pathogenic or benign to our knowledge

NM_005120.3(MED12):c.5748G>A (p.Gln1916=)

Gene: MED12 (mediator complex subunit 12; plus strand). Cytogenetic location: Xq13.1.
Variant type: single nucleotide variant.
Coding change: c.5748G>A on transcript NM_005120.3 (MANE Select); coding-DNA position 5748, G replaced by A.
Protein change: p.Gln1916=; no amino-acid change (glutamine 1916 retained).
Molecular consequence: synonymous variant.
Genome position (GRCh38, 1-based): chrX:71,137,383, G>A. VCF-style: chrX-71137383-G-A. GRCh37 (hg19) VCF-style: chrX-70357233-G-A.
Identifiers: ClinVar variation 4687048 (VCV004687048.1).